The following is an entry in ClinVar:

ClinVar aggregate classification (germline): Likely benign (1 of 4 stars; one submission).

Submission:

CeGaT Center for Human Genetics Tuebingen
Classification: Likely benign. Last evaluated: 2023-07-01. Review status: criteria provided, single submitter. Criteria: CeGaT Center For Human Genetics Tuebingen Variant Classification Criteria Version 2. Collection method: clinical testing. Allele origin: germline. Affected: yes. Observed: 1 variant allele.
Comment: IQSEC1: BP4, BP7

NM_001134382.3(IQSEC1):c.2970A>C (p.Pro990=)

Gene: IQSEC1 (IQ motif and Sec7 domain ArfGEF 1; minus strand). Cytogenetic location: 3p25.2.
Variant type: single nucleotide variant.
Coding change: c.2970A>C on transcript NM_001134382.3 (MANE Select); coding-DNA position 2970, A replaced by C.
Protein change: p.Pro990=; no amino-acid change (proline 990 retained).
Molecular consequence: synonymous variant. On other transcripts: 3 prime UTR variant (1), intron variant (1).
Genome position (GRCh38, 1-based): chr3:12,901,358, T>G on the plus strand (A>C on the coding strand, the complement: IQSEC1 is on the minus strand). VCF-style: chr3-12901358-T-G. GRCh37 (hg19) VCF-style: chr3-12942858-T-G.
Other names: c.*151A>C (NM_001330619.3); c.3294A>C, p.Pro1098= (NM_001376938.2); c.2847+1415A>C (NM_014869.8).
Identifiers: ClinVar variation 2578934 (VCV002578934.25), dbSNP rs2470207924, ClinGen allele CA1045188425.